The following is an entry in ClinVar:

ClinVar aggregate classification (germline): Uncertain significance (1 of 4 stars; one submission).

gnomAD v4.1: 2 of 1,551,794 alleles (0.00013%); highest among the groups gnomAD compares: Non-Finnish European, 0.00017%; no homozygotes.

Submission:

Labcorp Genetics (formerly Invitae), Labcorp
Classification: Uncertain significance. Last evaluated: 2022-07-05. Review status: criteria provided, single submitter. Criteria: Invitae Variant Classification Sherloc (09022015). Collection method: clinical testing. Allele origin: germline.
Comment: This sequence change replaces serine, which is neutral and polar, with glycine, which is neutral and non-polar, at codon 2164 of the LOXHD1 protein (p.Ser2164Gly). This variant is not present in population databases (gnomAD no frequency). This variant has not been reported in the literature in individuals affected with LOXHD1-related conditions. ClinVar contains an entry for this variant (Variation ID: 1401718). Algorithms developed to predict the effect of missense changes on protein structure and function are either unavailable or do not agree on the potential impact of this missense change (SIFT: "Deleterious"; PolyPhen-2: "Benign"; Align-GVGD: "Class C0"). In summary, the available evidence is currently insufficient to determine the role of this variant in disease. Therefore, it has been classified as a Variant of Uncertain Significance.

NM_001384474.1(LOXHD1):c.6676A>G (p.Ser2226Gly)

Gene: LOXHD1 (lipoxygenase homology PLAT domains 1; minus strand). Cytogenetic location: 18q21.1.
Variant type: single nucleotide variant.
Coding change: c.6676A>G on transcript NM_001384474.1 (MANE Select); coding-DNA position 6676, A replaced by G.
Protein change: p.Ser2226Gly; replaces serine 2226 with glycine.
Molecular consequence: missense variant. On other transcripts: intron variant (3).
Genome position (GRCh38, 1-based): chr18:46,477,618, T>C on the plus strand (A>G on the coding strand, the complement: LOXHD1 is on the minus strand). VCF-style: chr18-46477618-T-C. GRCh37 (hg19) VCF-style: chr18-44057581-T-C.
Other names: c.1393A>G, p.Ser465Gly (NM_001145473.3); c.6490A>G, p.Ser2164Gly (NM_144612.7); c.3307+36A>G (NM_001145472.3); c.3033+22A>G (NM_001308013.2); c.1371+22A>G (NM_001173129.2); short protein forms S2164G, S2226G, S465G.
Identifiers: ClinVar variation 1401718 (VCV001401718.5), dbSNP rs1352589327, ClinGen allele CA402362419.
Genomic context (GRCh38, chr18:46,477,618, plus strand): 5'-CGCCGGTGCTGGTGTTGGTGACCTCCACCTTCTCCACCAGCCAGCCTGAGCAGTAGCCAC[T>C]GCTGTCGTGCTCCAGGCGCACCTTGCGCAGCTCACCCAGCTCCAGCGTCTCCAGGAAGAA-3'
Protein context (NP_001371403.1, residues 2216-2236): LRKVRLEHDS[Ser2226Gly]GYCSGWLVEK